The following is an entry in ClinVar:

NM_002471.4(MYH6):c.2087G>A (p.Arg696His)

Gene: MYH6 (myosin heavy chain 6; minus strand). Cytogenetic location: 14q11.2.
Variant type: single nucleotide variant.
Coding change: c.2087G>A on transcript NM_002471.4 (MANE Select); coding-DNA position 2087, G replaced by A.
Protein change: p.Arg696His; replaces arginine 696 with histidine.
Molecular consequence: missense variant.
Genome position (GRCh38, 1-based): chr14:23,397,044, C>T on the plus strand (G>A on the coding strand, the complement: MYH6 is on the minus strand). VCF-style: chr14-23397044-C-T. GRCh37 (hg19) VCF-style: chr14-23866253-C-T.
Other names: short protein forms R696H.
Identifiers: ClinVar variation 1019744 (VCV001019744.11), dbSNP rs757728653, ClinGen allele CA7115592.

ClinVar aggregate classification (germline): Uncertain significance. Review status: criteria provided, multiple submitters, no conflicts (2 of 4 stars). 5 submissions from 5 submitters: Uncertain significance (5). Last evaluated 2025-07-24.

Conditions:
Hypertrophic cardiomyopathy 14. Identifiers: MedGen C2750467, MONDO:0013197, OMIM 613251.
Cardiovascular phenotype. Identifiers: MedGen CN230736.

Allele frequency attached by ClinVar (database versions not stated): gnomAD 0.00001; gnomAD exomes 0.00001 and 0.00003; TOPMed 0.00003; ExAC 0.00007.
gnomAD v4.1: 21 of 1,614,062 alleles (0.0013%); highest among the groups gnomAD compares: South Asian, 0.0022%; no homozygotes.

Submissions (5):

Women's Health and Genetics/Laboratory Corporation of America, LabCorp
Classification: Uncertain significance. Last evaluated: 2025-07-24. Review status: criteria provided, single submitter. Criteria: LabCorp Variant Classification Summary - May 2015. Collection method: clinical testing. Allele origin: germline.
Comment: Variant summary: MYH6 c.2087G>A (p.Arg696His) results in a non-conservative amino acid change in the encoded protein sequence. Algorithms developed to predict the effect of missense changes on protein structure and function all suggest that this variant is likely to be disruptive. The variant allele was found at a frequency of 2.8e-05 in 251442 control chromosomes. The available data on variant occurrences in the general population are insufficient to allow any conclusion about variant significance. To our knowledge, no occurrence of c.2087G>A in individuals affected with Cardiomyopathy and no experimental evidence demonstrating its impact on protein function have been reported. ClinVar contains an entry for this variant (Variation ID: 1019744). Based on the evidence outlined above, the variant was classified as uncertain significance.

Labcorp Genetics (formerly Invitae), Labcorp
Classification: Uncertain significance for Hypertrophic cardiomyopathy 14. Last evaluated: 2024-06-03. Review status: criteria provided, single submitter. Criteria: Invitae Variant Classification Sherloc (09022015). Collection method: clinical testing. Allele origin: germline.
Comment: This sequence change replaces arginine, which is basic and polar, with histidine, which is basic and polar, at codon 696 of the MYH6 protein (p.Arg696His). This variant is present in population databases (rs757728653, gnomAD 0.007%). This variant has not been reported in the literature in individuals affected with MYH6-related conditions. ClinVar contains an entry for this variant (Variation ID: 1019744). Advanced modeling of protein sequence and biophysical properties (such as structural, functional, and spatial information, amino acid conservation, physicochemical variation, residue mobility, and thermodynamic stability) performed at Invitae indicates that this missense variant is expected to disrupt MYH6 protein function with a positive predictive value of 80%. In summary, the available evidence is currently insufficient to determine the role of this variant in disease. Therefore, it has been classified as a Variant of Uncertain Significance.

GeneDx
Classification: Uncertain significance. Last evaluated: 2023-01-19. Review status: criteria provided, single submitter. Criteria: GeneDx Variant Classification Process June 2021. Collection method: clinical testing. Allele origin: germline. Affected: yes.
Comment: Has not been previously published as pathogenic or benign to our knowledge; In silico analysis supports that this missense variant has a deleterious effect on protein structure/function

ARUP Laboratories, Molecular Genetics and Genomics, ARUP Laboratories
Classification: Uncertain significance. Last evaluated: 2023-01-03. Review status: criteria provided, single submitter. Criteria: ARUP Molecular Germline Variant Investigation Process 2024. Collection method: clinical testing. Allele origin: germline.
Comment: The MYH6 c.2087G>A; p.Arg696His variant (rs757728653), to our knowledge, is not reported in the medical literature but is reported in ClinVar (Variation ID: 1019744). This variant is found in the general population with an overall allele frequency of 0.0028% (7/251442 alleles) in the Genome Aggregation Database. The arginine at codon 696 is highly conserved and computational analyses predict that this variant is deleterious (REVEL: 0.867). Due to limited information, the clinical significance of this variant is uncertain at this time.

Ambry Genetics
Classification: Uncertain significance for Cardiovascular phenotype. Last evaluated: 2021-08-20. Review status: criteria provided, single submitter. Criteria: Ambry Variant Classification Scheme 2023. Collection method: clinical testing. Allele origin: germline.
Comment: The p.R696H variant (also known as c.2087G>A), located in coding exon 16 of the MYH6 gene, results from a G to A substitution at nucleotide position 2087. The arginine at codon 696 is replaced by histidine, an amino acid with highly similar properties. This amino acid position is highly conserved in available vertebrate species. In addition, this alteration is predicted to be deleterious by in silico analysis. Since supporting evidence is limited at this time, the clinical significance of this alteration remains unclear.

Literature cited by the submitters: PubMed 29420653 (cited by Ambry Genetics).